The following is an entry in ClinVar:

ClinVar aggregate classification (germline): Uncertain significance (1 of 4 stars; one submission).

Conditions:
Epileptic encephalopathy. Identifiers: MedGen C0543888, HP:0200134.

Allele frequency attached by ClinVar (database versions not stated): TOPMed below 0.00001; ExAC 0.00002; gnomAD 0.00003; gnomAD exomes 0.00003.
gnomAD v4.1: 45 of 1,609,086 alleles (0.0028%); highest among the groups gnomAD compares: South Asian, 0.013%; 1 homozygote.

Submission:

Labcorp Genetics (formerly Invitae), Labcorp
Classification: Uncertain significance for Epileptic encephalopathy. Last evaluated: 2023-12-11. Review status: criteria provided, single submitter. Criteria: Invitae Variant Classification Sherloc (09022015). Collection method: clinical testing. Allele origin: germline.
Comment: This sequence change replaces histidine, which is basic and polar, with tyrosine, which is neutral and polar, at codon 755 of the FASN protein (p.His755Tyr). The frequency data for this variant in the population databases is considered unreliable, as metrics indicate poor data quality at this position in the gnomAD database. This variant has not been reported in the literature in individuals affected with FASN-related conditions. An algorithm developed to predict the effect of missense changes on protein structure and function (PolyPhen-2) suggests that this variant is likely to be tolerated. In summary, the available evidence is currently insufficient to determine the role of this variant in disease. Therefore, it has been classified as a Variant of Uncertain Significance.

NM_004104.5(FASN):c.2263C>T (p.His755Tyr)

Gene: FASN (fatty acid synthase; minus strand). Cytogenetic location: 17q25.3.
Variant type: single nucleotide variant.
Coding change: c.2263C>T on transcript NM_004104.5 (MANE Select); coding-DNA position 2263, C replaced by T.
Protein change: p.His755Tyr; replaces histidine 755 with tyrosine.
Molecular consequence: missense variant.
Genome position (GRCh38, 1-based): chr17:82,089,010, G>A on the plus strand (C>T on the coding strand, the complement: FASN is on the minus strand). VCF-style: chr17-82089010-G-A. GRCh37 (hg19) VCF-style: chr17-80046886-G-A.
Other names: short protein forms H755Y.
Identifiers: ClinVar variation 2984520 (VCV002984520.3), dbSNP rs763736860, ClinGen allele CA8852861.
Genomic context (GRCh38, chr17:82,089,010, plus strand): 5'-GCCCCCAGGCTGGGCCTACCTGCAGCAGGGCGTGGGGCGCGATCTCCAGCACCACCGCGT[G>A]CTCAGGCACGTGCCACAGGGCCTCCTGGAACAGCACAGGGCTCACCAGGTTGTTGACATT-3'
Protein context (NP_004095.4, residues 745-765): FQEALWHVPE[His755Tyr]AVVLEIAPHA